The following is an entry in ClinVar:

NM_007294.4(BRCA1):c.2716_2730del (p.Lys906_Gln910del)

Gene: BRCA1 (BRCA1 DNA repair associated; minus strand). Cytogenetic location: 17q21.31.
Variant type: Deletion.
Coding change: c.2716_2730del on transcript NM_007294.4 (MANE Select); coding-DNA positions 2716 to 2730, 15 bases deleted (AAGGAAGAAAATCAA).
Protein change: p.Lys906_Gln910del.
Molecular consequence: inframe deletion. On other transcripts: inframe indel (2), intron variant (137).
Genome position (GRCh38, 1-based): chr17:43,092,801-43,092,815, TTGATTTTCTTCCTT deleted on the plus strand (AAGGAAGAAAATCAA on the coding strand, the reverse complement: BRCA1 is on the minus strand); deleting any 15 consecutive bases within chr17:43,092,801-43,092,818 gives the same sequence; the c. name uses the placement nearest the transcript's 3' end. VCF-style (leftmost placement, unchanged base first): chr17-43092800-CTTGATTTTCTTCCTT-C. GRCh37 (hg19) VCF-style: chr17-41244817-CTTGATTTTCTTCCTT-C.
Other names: c.2716_2730delAAGGAAGAAAATCAA (NM_007294.3, NM_007294.4); c.2716_2730del15 (NM_007294.3); c.2503_2517del, p.Lys835_Gln839del (NM_001407571.1, NM_001407853.1, NM_001407894.1 and 9 more transcripts); c.2716_2730del, p.Lys906_Gln910del (NM_001407581.1, NM_001407582.1, NM_001407583.1 and 30 more transcripts); c.2713_2727del, p.Lys905_Gln909del (NM_001407587.1, NM_001407590.1, NM_001407591.1 and 22 more transcripts); c.2707_2721del, p.Lys903_Gln907del (NM_001407646.1, NM_001407647.1); c.2593_2607del, p.Lys865_Gln869del (NM_001407648.1, NM_001407664.1, NM_001407665.1 and 19 more transcripts); c.2590_2604del, p.Lys864_Gln868del (NM_001407649.1, NM_001407670.1, NM_001407671.1 and 11 more transcripts); and 43 more.
Identifiers: ClinVar variation 479264 (VCV000479264.30), dbSNP rs755789142, ClinGen allele CA058355.

ClinVar aggregate classification (germline): Uncertain significance. Review status: criteria provided, multiple submitters, no conflicts (2 of 4 stars). 5 submissions from 5 submitters: Uncertain significance (5). Last evaluated 2025-08-03.

Conditions:
Hereditary breast ovarian cancer syndrome. Also called: Hereditary breast and ovarian cancer syndrome (HBOC); Hereditary breast and ovarian cancer syndrome; Breast and ovarian cancer; BRCA1- and BRCA2-Associated Hereditary Breast and Ovarian Cancer; Hereditary breast and ovarian cancer; Hereditary breast and/or ovarian cancer syndrome. Identifiers: Orphanet 145, MedGen C0677776, MeSH D061325, MONDO:0003582. Disease mechanism: loss of function.
Hereditary cancer-predisposing syndrome. Also called: Neoplastic Syndromes, Hereditary; Hereditary Cancer Syndrome; Hereditary neoplastic syndrome; Tumor predisposition. Identifiers: Orphanet 140162, MedGen C0027672, MeSH D009386, MONDO:0015356.

Submissions (5):

Labcorp Genetics (formerly Invitae), Labcorp
Classification: Uncertain significance for Hereditary breast ovarian cancer syndrome. Last evaluated: 2025-08-03. Review status: criteria provided, single submitter. Criteria: Invitae Variant Classification Sherloc (09022015). Collection method: clinical testing. Allele origin: germline.
Comment: This variant, c.2716_2730del, results in the deletion of 5 amino acid(s) of the BRCA1 protein (p.Lys906_Gln910del), but otherwise preserves the integrity of the reading frame. This variant is present in population databases (rs755789142, gnomAD 0.0009%). This variant has not been reported in the literature in individuals affected with BRCA1-related conditions. ClinVar contains an entry for this variant (Variation ID: 479264). Experimental studies and prediction algorithms are not available or were not evaluated, and the functional significance of this variant is currently unknown. In summary, the available evidence is currently insufficient to determine the role of this variant in disease. Therefore, it has been classified as a Variant of Uncertain Significance.

Ambry Genetics
Classification: Uncertain significance for Hereditary cancer-predisposing syndrome. Last evaluated: 2025-05-22. Review status: criteria provided, single submitter. Criteria: Ambry Variant Classification Scheme 2023. Collection method: clinical testing. Allele origin: germline.
Comment: The c.2716_2730del15 variant (also known as p.K906_Q910del) is located in coding exon 9 of the BRCA1 gene. This variant results from an in-frame AAGGAAGAAAATCAA deletion at nucleotide positions 2716 to 2730. This results in the in-frame deletion of KEENQ at codons 906 to 910. This amino acid region is not well conserved in available vertebrate species. In addition, this alteration is predicted to be deleterious by in silico analysis (Choi Y et al. PLoS ONE. 2012; 7(10):e46688). Based on the available evidence, the clinical significance of this variant remains unclear.

Center for Genomic Medicine, Rigshospitalet, Copenhagen University Hospital
Classification: Uncertain significance. Last evaluated: 2025-03-04. Review status: criteria provided, single submitter. Criteria: ACMG Guidelines, 2015. Collection method: clinical testing. Allele origin: germline.

GeneDx
Classification: Uncertain significance. Last evaluated: 2024-02-14. Review status: criteria provided, single submitter. Criteria: GeneDx Variant Classification Process June 2021. Collection method: clinical testing. Allele origin: germline. Affected: yes.
Comment: In-frame deletion of 5 amino acids in a non-repeat region; Located in the critical DNA binding domain (PMID: 15343273); Has not been previously published as pathogenic or benign to our knowledge; In silico analysis supports a deleterious effect on protein structure/function; Not observed at significant frequency in large population cohorts (gnomAD); Also known as 2835_2879del or 2835del15; This variant is associated with the following publications: (PMID: 15343273)

Color Diagnostics, LLC DBA Color Health
Classification: Uncertain significance for Hereditary cancer-predisposing syndrome. Last evaluated: 2020-02-13. Review status: criteria provided, single submitter. Criteria: ACMG Guidelines, 2015. Collection method: clinical testing. Allele origin: germline.
Comment: This variant causes an in-frame deletion of five amino acids at exon 10 of the BRCA1 protein. Splice site prediction tools suggest that this variant may not impact RNA splicing. To our knowledge, functional studies have not been performed for this variant. This variant has not been reported in individuals affected with hereditary cancer in the literature. This variant has been identified in 1/250742 chromosomes in the general population by the Genome Aggregation Database (gnomAD). The available evidence is insufficient to determine the role of this variant in disease conclusively. Therefore, this variant is classified as a Variant of Uncertain Significance.